The following is an entry in ClinVar:

ClinVar aggregate classification (germline): Uncertain significance (1 of 4 stars; one submission).

Conditions:
Pheochromocytoma/paraganglioma syndrome 4. Also called: CAROTID BODY TUMORS AND MULTIPLE EXTRAADRENAL PHEOCHROMOCYTOMAS; SDHB-Related Hereditary Paraganglioma-Pheochromocytoma Syndrome; Paragangliomas 4; SDHB-Related Hereditary Paraganglioma-Pheochromocytoma Syndrome (Paragangliomas 4); PARAGANGLIOMA, FAMILIAL MALIGNANT; PARAGANGLIOMAS, HEREDITARY EXTRAADRENAL. Identifiers: Orphanet 29072, MedGen C1861848, MONDO:0007273, OMIM 115310.
Gastrointestinal stromal tumor. Also called: Gastrointestinal stromal tumor, somatic; Gastrointestinal stroma tumor. Identifiers: Orphanet 44890, MedGen C0238198, MeSH D046152, MONDO:0011719, OMIM 606764, HP:0100723.
Pheochromocytoma. Also called: MAX-Related Hereditary Paraganglioma-Pheochromocytoma Syndrome. Identifiers: Orphanet 29072, MedGen C0031511, MONDO:0008233, OMIM 171300, HP:0002666.

Submission:

Labcorp Genetics (formerly Invitae), Labcorp
Classification: Uncertain significance for Gastrointestinal stromal tumor; Pheochromocytoma/paraganglioma syndrome 4; Pheochromocytoma. Last evaluated: 2019-11-01. Review status: criteria provided, single submitter. Criteria: Invitae Variant Classification Sherloc (09022015). Collection method: clinical testing. Allele origin: germline.
Comment: This sequence change replaces alanine with aspartic acid at codon 34 of the SDHB protein (p.Ala34Asp). The alanine residue is highly conserved and there is a moderate physicochemical difference between alanine and aspartic acid. This variant is not present in population databases (ExAC no frequency). In summary, the available evidence is currently insufficient to determine the role of this variant in disease. Therefore, it has been classified as a Variant of Uncertain Significance. Algorithms developed to predict the effect of missense changes on protein structure and function are either unavailable or do not agree on the potential impact of this missense change (SIFT: "Deleterious"; PolyPhen-2: "Benign"; Align-GVGD: "Class C0"). This variant has not been reported in the literature in individuals with SDHB-related conditions.

NM_003000.3(SDHB):c.101C>A (p.Ala34Asp)

Gene: SDHB (succinate dehydrogenase complex iron sulfur subunit B; minus strand). Cytogenetic location: 1p36.13.
Variant type: single nucleotide variant.
Coding change: c.101C>A on transcript NM_003000.3 (MANE Select); coding-DNA position 101, C replaced by A.
Protein change: p.Ala34Asp; replaces alanine 34 with aspartic acid.
Molecular consequence: missense variant.
Genome position (GRCh38, 1-based): chr1:17,044,860, G>T on the plus strand (C>A on the coding strand, the complement: SDHB is on the minus strand). VCF-style: chr1-17044860-G-T. GRCh37 (hg19) VCF-style: chr1-17371355-G-T.
Other names: short protein forms A34D.
Identifiers: ClinVar variation 968586 (VCV000968586.7), dbSNP rs867908217, ClinGen allele CA338228314.